The following is an entry in ClinVar:

ClinVar aggregate classification (germline): Uncertain significance (1 of 4 stars; one submission).

Conditions:
Premature ovarian failure 9 (POF9). Identifiers: MedGen C3810376, MONDO:0014322, OMIM 615724.

gnomAD v4.1: 19 of 1,479,030 alleles (0.0013%); highest among the groups gnomAD compares: East Asian, 0.0094%; no homozygotes.

Submission:

Juno Genomics, Hangzhou Juno Genomics, Inc
Classification: Uncertain significance for Premature ovarian failure 9. Review status: criteria provided, single submitter. Criteria: ACMG Guidelines, 2015. Collection method: clinical testing. Allele origin: germline.
Comment: Absent from controls (or at extremely low frequency if recessive) in Genome Aggregation Database.

NM_001017975.6(HFM1):c.3580C>T (p.Arg1194Cys)

Gene: HFM1 (helicase for meiosis 1; minus strand). Cytogenetic location: 1p22.2.
Variant type: single nucleotide variant.
Coding change: c.3580C>T on transcript NM_001017975.6 (MANE Select); coding-DNA position 3580, C replaced by T.
Protein change: p.Arg1194Cys; replaces arginine 1194 with cysteine.
Molecular consequence: missense variant. On other transcripts: non-coding transcript variant (1).
Genome position (GRCh38, 1-based): chr1:91,276,636, G>A on the plus strand (C>T on the coding strand, the complement: HFM1 is on the minus strand). VCF-style: chr1-91276636-G-A. GRCh37 (hg19) VCF-style: chr1-91742193-G-A.
Other names: short protein forms R1194C.
Identifiers: ClinVar variation 5007164 (VCV005007164.2).